The following is an entry in ClinVar:

NM_001329943.3(KIAA0586):c.4283A>G (p.Asn1428Ser)

Gene: KIAA0586 (KIAA0586; plus strand). Cytogenetic location: 14q23.1.
Variant type: single nucleotide variant.
Coding change: c.4283A>G on transcript NM_001329943.3 (MANE Select); coding-DNA position 4283, A replaced by G.
Protein change: p.Asn1428Ser; replaces asparagine 1428 with serine.
Molecular consequence: missense variant.
Genome position (GRCh38, 1-based): chr14:58,508,669, A>G. VCF-style: chr14-58508669-A-G. GRCh37 (hg19) VCF-style: chr14-58975387-A-G.
Other names: c.4283A>G, p.Asn1428Ser (NM_001329944.2, NM_001329946.2); c.4028A>G, p.Asn1343Ser (NM_001329945.2, NM_001364700.1, NM_001364701.2 and 1 more transcripts); c.4151A>G, p.Asn1384Ser (NM_001329947.2, NM_001244192.2); c.4055A>G, p.Asn1352Ser (NM_014749.5); c.3863A>G, p.Asn1288Ser (NM_001244193.2); c.4442A>G, p.Asn1481Ser (NM_001244189.2); c.4238A>G, p.Asn1413Ser (NM_001244190.2); short protein forms N1413S, N1384S, N1428S, N1288S, N1352S, N1343S, N1481S.
Identifiers: ClinVar variation 1031252 (VCV001031252.1), dbSNP rs2044174256, ClinGen allele CA390057912.
Genomic context (GRCh38, chr14:58,508,669, plus strand): 5'-TGGAGTTGGAGCCAAATTCTAAGCTGGTTCTTCCCACAACACTTCTGACAGCACAAGAAA[A>G]TGATGTTAATTTACCAGTAGCCGCTGAAGATTTTTCCCAGGTACCAAATTAATAGCACTT-3'
Protein context (NP_001316872.1, residues 1418-1438): LPTTLLTAQE[Asn1428Ser]DVNLPVAAED

ClinVar aggregate classification (germline): Uncertain significance (1 of 4 stars; one submission).

Conditions:
Joubert syndrome 23 (JBTS23). Identifiers: Orphanet 475, MedGen C4084822, MONDO:0014664, OMIM 616490.

Submission:

Baylor Genetics
Classification: Uncertain significance for Joubert syndrome 23. Last evaluated: 2019-04-07. Review status: criteria provided, single submitter. Criteria: ACMG Guidelines, 2015. Collection method: clinical testing. Allele origin: maternal. Affected: yes.
Comment: This variant was determined to be of uncertain significance according to ACMG Guidelines, 2015 [PMID:25741868].